The following is an entry in ClinVar:

ClinVar aggregate classification (germline): Pathogenic (1 of 4 stars; one submission).

Conditions:
Bardet-Biedl syndrome (BBS). Identifiers: Orphanet 110, MedGen C0752166, MONDO:0015229.

Submission:

Labcorp Genetics (formerly Invitae), Labcorp
Classification: Pathogenic for Bardet-Biedl syndrome. Last evaluated: 2023-07-12. Review status: criteria provided, single submitter. Criteria: Invitae Variant Classification Sherloc (09022015). Collection method: clinical testing. Allele origin: germline.
Comment: This sequence change affects an acceptor splice site in intron 1 of the BBS1 gene. It is expected to disrupt RNA splicing. Variants that disrupt the donor or acceptor splice site typically lead to a loss of protein function (PMID: 16199547), and loss-of-function variants in BBS1 are known to be pathogenic (PMID: 12118255, 21520335, 27032803). This variant is not present in population databases (gnomAD no frequency). Disruption of this splice site has been observed in individual(s) with Bardet-Biedl syndrome (PMID: 19797195). Algorithms developed to predict the effect of sequence changes on RNA splicing suggest that this variant may disrupt the consensus splice site. For these reasons, this variant has been classified as Pathogenic.

Literature cited by the submitters: PubMed 16199547; PubMed 12118255; PubMed 21520335; PubMed 27032803; PubMed 19797195.

NM_024649.5(BBS1):c.48-2A>G

Gene: BBS1 (Bardet-Biedl syndrome 1; plus strand). Cytogenetic location: 11q13.2.
Variant type: single nucleotide variant.
Coding change: c.48-2A>G on transcript NM_024649.5 (MANE Select); the canonical splice acceptor site of the intron before coding-DNA position 48, A replaced by G.
Molecular consequence: splice acceptor variant.
Genome position (GRCh38, 1-based): chr11:66,511,011, A>G. VCF-style: chr11-66511011-A-G. GRCh37 (hg19) VCF-style: chr11-66278482-A-G.
Identifiers: ClinVar variation 2742804 (VCV002742804.3), dbSNP rs764245266, ClinGen allele CA381453457.